The following is an entry in ClinVar:

ClinVar aggregate classification (germline): Uncertain significance (1 of 4 stars; one submission).

Conditions:
Myopathy, centronuclear, 2 (CNM2). Also called: MYOTUBULAR MYOPATHY, AUTOSOMAL RECESSIVE. Identifiers: Orphanet 169186, MedGen CN031787, MONDO:0009709, OMIM 255200.

gnomAD v4.1: 5 of 1,585,422 alleles (0.00032%); highest among the groups gnomAD compares: South Asian, 0.0046%; no homozygotes.

Submission:

Labcorp Genetics (formerly Invitae), Labcorp
Classification: Uncertain significance for Myopathy, centronuclear, 2. Last evaluated: 2024-11-27. Review status: criteria provided, single submitter. Criteria: Invitae Variant Classification Sherloc (09022015). Collection method: clinical testing. Allele origin: germline.
Comment: This sequence change replaces serine, which is neutral and polar, with phenylalanine, which is neutral and non-polar, at codon 445 of the BIN1 protein (p.Ser445Phe). This variant is not present in population databases (gnomAD no frequency). This variant has not been reported in the literature in individuals affected with BIN1-related conditions. An algorithm developed to predict the effect of missense changes on protein structure and function (PolyPhen-2) suggests that this variant is likely to be tolerated. In summary, the available evidence is currently insufficient to determine the role of this variant in disease. Therefore, it has been classified as a Variant of Uncertain Significance.

NM_139343.3(BIN1):c.1334C>T (p.Ser445Phe)

Gene: BIN1 (bridging integrator 1; minus strand). Cytogenetic location: 2q14.3.
Variant type: single nucleotide variant.
Coding change: c.1334C>T on transcript NM_139343.3 (MANE Select); coding-DNA position 1334, C replaced by T.
Protein change: p.Ser445Phe; replaces serine 445 with phenylalanine.
Molecular consequence: missense variant. On other transcripts: intron variant (9).
Genome position (GRCh38, 1-based): chr2:127,052,292, G>A on the plus strand (C>T on the coding strand, the complement: BIN1 is on the minus strand). VCF-style: chr2-127052292-G-A. GRCh37 (hg19) VCF-style: chr2-127809868-G-A.
Other names: c.1241C>T, p.Ser414Phe (NM_001320641.2); c.1253C>T, p.Ser418Phe (NM_001320642.1); c.1205C>T, p.Ser402Phe (NM_139344.3); c.1073C>T, p.Ser358Phe (NM_139345.3); c.1109C>T, p.Ser370Phe (NM_139347.3); c.980C>T, p.Ser327Phe (NM_139349.3); c.838-1380C>T (NM_001320634.1); c.910-1380C>T (NM_139351.3); and 7 more; short protein forms S402F, S418F, S370F, S414F, S445F, S327F, S358F.
Identifiers: ClinVar variation 3688803 (VCV003688803.2).
Genomic context (GRCh38, chr2:127,052,292, plus strand): 5'-AGGGGCTGGAGGTGGGCACTTACTTGGGCAGGCCCCGGCTCGGCCGTCTGGCTGGGCCAG[G>A]ACACAGCAAAGGTGCCCTCGGCAGCGCTGGGCTCCCCGGAAGGCAGGCTGCCGGCTGGAC-3'
Protein context (NP_647593.1, residues 435-455): PSAAEGTFAV[Ser445Phe]WPSQTAEPGP